The following is an entry in ClinVar:

NM_006767.4(LZTR1):c.1698C>A (p.Cys566Ter)

Gene: LZTR1 (leucine zipper like post translational regulator 1; plus strand). Cytogenetic location: 22q11.21.
Variant type: single nucleotide variant.
Coding change: c.1698C>A on transcript NM_006767.4 (MANE Select); coding-DNA position 1698, C replaced by A.
Protein change: p.Cys566Ter; replaces cysteine 566 with a stop codon.
Molecular consequence: nonsense.
Genome position (GRCh38, 1-based): chr22:20,994,640, C>A. VCF-style: chr22-20994640-C-A. GRCh37 (hg19) VCF-style: chr22-21348929-C-A.
Other names: short protein forms C566*.
Identifiers: ClinVar variation 1778265 (VCV001778265.8), dbSNP rs1389123610, ClinGen allele CA410777865.

ClinVar aggregate classification (germline): Pathogenic/Likely pathogenic. Review status: criteria provided, multiple submitters, no conflicts (2 of 4 stars). 3 submissions from 3 submitters: Pathogenic (2); Likely pathogenic (1). Last evaluated 2025-06-08.

Conditions:
LZTR1-related disorder. Also called: LZTR1-related disorders; LZTR1-related condition.
Cardiovascular phenotype. Identifiers: MedGen CN230736.
Hereditary cancer-predisposing syndrome. Also called: Neoplastic Syndromes, Hereditary; Tumor predisposition; Hereditary Cancer Syndrome; Hereditary neoplastic syndrome. Identifiers: Orphanet 140162, MedGen C0027672, MeSH D009386, MONDO:0015356.

gnomAD v4.1: 7 of 1,612,828 alleles (0.00043%); highest among the groups gnomAD compares: Non-Finnish European, 0.00059%; no homozygotes.

Submissions (3):

Labcorp Genetics (formerly Invitae), Labcorp
Classification: Pathogenic. Last evaluated: 2025-06-08. Review status: criteria provided, single submitter. Criteria: Invitae Variant Classification Sherloc (09022015). Collection method: clinical testing. Allele origin: germline.
Comment: This sequence change creates a premature translational stop signal (p.Cys566*) in the LZTR1 gene. It is expected to result in an absent or disrupted protein product. Loss-of-function variants in LZTR1 are known to be pathogenic (PMID: 24362817, 25335493, 25480913, 25795793, 29469822, 30368668, 30442762, 30442766, 30481304, 30859559). The frequency data for this variant in the population databases is considered unreliable, as metrics indicate poor data quality at this position in the gnomAD database. This variant has not been reported in the literature in individuals affected with LZTR1-related conditions. ClinVar contains an entry for this variant (Variation ID: 1778265). For these reasons, this variant has been classified as Pathogenic.

PreventionGenetics, part of Exact Sciences
Classification: Likely pathogenic for LZTR1-related condition. Last evaluated: 2023-08-29. Review status: criteria provided, single submitter. Criteria: ACMG Guidelines, 2015. Collection method: clinical testing. Allele origin: germline.
Comment: The LZTR1 c.1698C>A variant is predicted to result in premature protein termination (p.Cys566*). To our knowledge, this variant has not been reported in the literature. This variant is reported in 0.00088% of alleles in individuals of European (Non-Finnish) descent in gnomAD. Nonsense variants in LZTR1 are expected to be pathogenic. This variant is interpreted as likely pathogenic.

Ambry Genetics
Classification: Pathogenic for Cardiovascular phenotype; Hereditary cancer-predisposing syndrome. Last evaluated: 2021-01-28. Review status: criteria provided, single submitter. Criteria: Ambry Variant Classification Scheme 2023. Collection method: clinical testing. Allele origin: germline.
Comment: The p.C566* variant (also known as c.1698C>A), located in coding exon 15 of the LZTR1 gene, results from a C to A substitution at nucleotide position 1698. This changes the amino acid from a cysteine to a stop codon within coding exon 15. This alteration is expected to result in loss of function by premature protein truncation or nonsense-mediated mRNA decay. Loss-of-function variants in LZTR1 are related to an increased risk for schwannomas and autosomal recessive Noonan syndrome; however, such associations with autosomal dominant Noonan syndrome have not been observed (Piotrowski A et al. Nat Genet. 2014 Feb;46:182-7; Yamamoto GL et al. J Med Genet. 2015 Jun;52:413-21; Johnston JJ et al. Genet Med. 2018 10;20:1175-1185). Based on the supporting evidence, this variant is pathogenic for an increased risk of LZTR1-related schwannomatosis (SWN) and would be expected to cause autosomal recessive Noonan syndrome when present along with a second pathogenic or likely pathogenic variant on the other allele; however, the association of this alteration with autosomal dominant Noonan syndrome is unlikely.

Literature cited by the submitters: PubMed 24362817 (cited by Labcorp Genetics (formerly Invitae), Labcorp); PubMed 25335493 (cited by Labcorp Genetics (formerly Invitae), Labcorp); PubMed 25480913 (cited by Labcorp Genetics (formerly Invitae), Labcorp); PubMed 25795793 (cited by Labcorp Genetics (formerly Invitae), Labcorp); PubMed 29469822 (cited by Labcorp Genetics (formerly Invitae), Labcorp); PubMed 30368668 (cited by Labcorp Genetics (formerly Invitae), Labcorp); PubMed 30442762 (cited by Labcorp Genetics (formerly Invitae), Labcorp); PubMed 30442766 (cited by Labcorp Genetics (formerly Invitae), Labcorp); PubMed 30481304 (cited by Labcorp Genetics (formerly Invitae), Labcorp); PubMed 30859559 (cited by Labcorp Genetics (formerly Invitae), Labcorp).